The following is an entry in ClinVar:

NM_022489.4(INF2):c.1991C>A (p.Thr664Asn)

Gene: INF2 (inverted formin 2; plus strand). Cytogenetic location: 14q32.33.
Variant type: single nucleotide variant.
Coding change: c.1991C>A on transcript NM_022489.4 (MANE Select); coding-DNA position 1991, C replaced by A.
Protein change: p.Thr664Asn; replaces threonine 664 with asparagine.
Molecular consequence: missense variant. On other transcripts: non-coding transcript variant (1).
Genome position (GRCh38, 1-based): chr14:104,709,322, C>A. VCF-style: chr14-104709322-C-A. GRCh37 (hg19) VCF-style: chr14-105175659-C-A.
Other names: c.1991C>A, p.Thr664Asn (NM_001031714.4, NM_001426862.1, NM_001426863.1 and 2 more transcripts); short protein forms T664N.
Identifiers: ClinVar variation 4795077 (VCV004795077.1).
Genomic context (GRCh38, chr14:104,709,322, plus strand): 5'-GGTCCTCTCCCTGCTCCAGCTCCAACGAGGAGGTCGCTGCTATGATCCGGGCTGGAGATA[C>A]CACCAAGTTTGATGTGGAGGTTCTCAAACAACTCCTTAAGCTCCTTCCCGAGAAGCACGA-3'
Protein context (NP_071934.3, residues 654-674): EVAAMIRAGD[Thr664Asn]TKFDVEVLKQ

ClinVar aggregate classification (germline): Uncertain significance (1 of 4 stars; one submission).

Conditions:
Focal segmental glomerulosclerosis 5 (FSGS5). Identifiers: Orphanet 656, MedGen C2750475, MONDO:0013191, OMIM 613237.
Charcot-Marie-Tooth disease dominant intermediate E. Also called: CHARCOT-MARIE-TOOTH NEUROPATHY WITH FOCAL SEGMENTAL GLOMERULONEPHRITIS. Identifiers: Orphanet 93114, MedGen C4302667, MONDO:0013758, OMIM 614455.

gnomAD v4.1: 2 of 1,613,156 alleles (0.00012%); highest among the groups gnomAD compares: African/African-American, 0.0013%; no homozygotes.

Submission:

Labcorp Genetics (formerly Invitae), Labcorp
Classification: Uncertain significance for Charcot-Marie-Tooth disease dominant intermediate E; Focal segmental glomerulosclerosis 5. Last evaluated: 2025-04-23. Review status: criteria provided, single submitter. Criteria: Invitae Variant Classification Sherloc (09022015). Collection method: clinical testing. Allele origin: germline.
Comment: This sequence change replaces threonine, which is neutral and polar, with asparagine, which is neutral and polar, at codon 664 of the INF2 protein (p.Thr664Asn). This variant is not present in population databases (gnomAD no frequency). This variant has not been reported in the literature in individuals affected with INF2-related conditions. Invitae Evidence Modeling of protein sequence and biophysical properties (such as structural, functional, and spatial information, amino acid conservation, physicochemical variation, residue mobility, and thermodynamic stability) indicates that this missense variant is not expected to disrupt INF2 protein function with a negative predictive value of 95%. In summary, the available evidence is currently insufficient to determine the role of this variant in disease. Therefore, it has been classified as a Variant of Uncertain Significance.